The following is an entry in ClinVar:

ClinVar aggregate classification (germline): Pathogenic (1 of 4 stars; one submission).

Submission:

Labcorp Genetics (formerly Invitae), Labcorp
Classification: Pathogenic. Last evaluated: 2022-08-13. Review status: criteria provided, single submitter. Criteria: Invitae Variant Classification Sherloc (09022015). Collection method: clinical testing. Allele origin: germline.
Comment: For these reasons, this variant has been classified as Pathogenic. This variant has not been reported in the literature in individuals affected with ARMC9-related conditions. This variant is a gross deletion of the genomic region encompassing exon(s) 12 of the ARMC9 gene. This deletion is out-of-frame, and is expected to create a premature termination codon and result in an absent or disrupted protein product. Loss-of-function variants in ARMC9 are known to be pathogenic (PMID: 28625504).

Literature cited by the submitters: PubMed 28625504.

NC_000002.11:g.(?_232135675)_(232135805_?)del

Gene: ARMC9 (armadillo repeat containing 9; plus strand). Cytogenetic location: 2q37.1.
Variant type: Deletion.
Identifiers: ClinVar variation 2424077 (VCV002424077.4).